The following is an entry in ClinVar:

ClinVar aggregate classification (germline): Uncertain significance (1 of 4 stars; one submission).

Allele frequency attached by ClinVar (database versions not stated): TOPMed below 0.00001 and 0.00001; ExAC 0.00001; gnomAD 0.00001.
gnomAD v4.1: 1 of 1,613,512 alleles (0.000062%); highest among the groups gnomAD compares: Non-Finnish European, 0.000085%; no homozygotes.

Submission:

GeneDx
Classification: Uncertain significance. Last evaluated: 2016-04-01. Review status: criteria provided, single submitter. Criteria: GeneDx Variant Classification (06012015). Collection method: clinical testing. Allele origin: germline. Affected: yes.
Comment: The c.1979-2A>C variant in the COL4A2 gene has not been reported previously as a pathogenic variant nor as a benign variant, to our knowledge. This splice site variant destroys the canonical splice acceptor site in intron 25, however the adjacent exon is in-frame. It is predicted to cause abnormal gene splicing, either leading to an abnormal message that is subject to nonsense-mediated mRNA decay, or to an abnormal protein product if the message is used for protein translation. The c.1979-2A>C variant was not observed in approximately 6,100 individuals of European and African American ancestry in the NHLBI Exome Sequencing Project, indicating it is not a common benign variant in these populations. We interpret c.1979-2A>C as a variant of uncertain significance.

NM_001846.4(COL4A2):c.1979-2A>C

Gene: COL4A2 (collagen type IV alpha 2 chain; plus strand). Cytogenetic location: 13q34.
Variant type: single nucleotide variant.
Coding change: c.1979-2A>C on transcript NM_001846.4 (MANE Select); the canonical splice acceptor site of the intron before coding-DNA position 1979, A replaced by C.
Molecular consequence: splice acceptor variant.
Genome position (GRCh38, 1-based): chr13:110,466,001, A>C. VCF-style: chr13-110466001-A-C. GRCh37 (hg19) VCF-style: chr13-111118348-A-C.
Identifiers: ClinVar variation 420863 (VCV000420863.2), dbSNP rs772735682, ClinGen allele CA7049780.